The following is an entry in ClinVar:

NM_001377334.1(PIK3C2B):c.3567C>T (p.Tyr1189=)

Gene: PIK3C2B (phosphatidylinositol-4-phosphate 3-kinase catalytic subunit type 2 beta; minus strand). Cytogenetic location: 1q32.1.
Variant type: single nucleotide variant.
Coding change: c.3567C>T on transcript NM_001377334.1 (MANE Select); coding-DNA position 3567, C replaced by T.
Protein change: p.Tyr1189=; no amino-acid change (tyrosine 1189 retained).
Molecular consequence: synonymous variant.
Genome position (GRCh38, 1-based): chr1:204,434,558, G>A on the plus strand (C>T on the coding strand, the complement: PIK3C2B is on the minus strand). VCF-style: chr1-204434558-G-A. GRCh37 (hg19) VCF-style: chr1-204403686-G-A.
Other names: c.3483C>T, p.Tyr1161= (NM_001377335.1); c.3567C>T, p.Tyr1189= (NM_002646.4).
Identifiers: ClinVar variation 728464 (VCV000728464.28), dbSNP rs150291272, ClinGen allele CA1347369.

ClinVar aggregate classification (germline): Likely benign. Review status: criteria provided, multiple submitters, no conflicts (2 of 4 stars). 3 submissions from 3 submitters: Likely benign (2). 1 of the submissions does not count toward it. Last evaluated 2022-11-01.

Conditions:
PIK3C2B-related disorder. Also called: PIK3C2B-related condition.

Allele frequency attached by ClinVar (database versions not stated): ESP Exome Variant Server 0.00023; TOPMed 0.00026; gnomAD exomes 0.00027 and 0.00055; gnomAD 0.00029 and 0.00031; ExAC 0.00033.
gnomAD v4.1: 837 of 1,614,000 alleles (0.052%); highest among the groups gnomAD compares: South Asian, 0.067%; no homozygotes.

Submissions (3):

CeGaT Center for Human Genetics Tuebingen
Classification: Likely benign. Last evaluated: 2022-11-01. Review status: criteria provided, single submitter. Criteria: CeGaT Center For Human Genetics Tuebingen Variant Classification Criteria Version 2. Collection method: clinical testing. Allele origin: germline. Affected: yes. Observed: 2 variant alleles.
Comment: PIK3C2B: BP4, BP7

Labcorp Genetics (formerly Invitae), Labcorp
Classification: Likely benign. Last evaluated: 2018-03-29. Review status: criteria provided, single submitter. Criteria: Invitae Variant Classification Sherloc (09022015). Collection method: clinical testing. Allele origin: germline.

PreventionGenetics, part of Exact Sciences
Classification: Likely benign for PIK3C2B-related condition. Last evaluated: 2019-05-31. Review status: no assertion criteria provided. Collection method: clinical testing. Allele origin: germline. Not counted in ClinVar's aggregate classification.
Comment: This variant is classified as likely benign based on ACMG/AMP sequence variant interpretation guidelines (Richards et al. 2015 PMID: 25741868, with internal and published modifications).